The following is an entry in ClinVar:

ClinVar aggregate classification (germline): Uncertain significance (1 of 4 stars; one submission).

Allele frequency attached by ClinVar (database versions not stated): ExAC 0.00001; gnomAD exomes 0.00001.

Submission:

Women's Health and Genetics/Laboratory Corporation of America, LabCorp
Classification: Uncertain significance. Last evaluated: 2023-08-02. Review status: criteria provided, single submitter. Criteria: LabCorp Variant Classification Summary - May 2015. Collection method: clinical testing. Allele origin: germline.
Comment: Variant summary: CHST6 c.1001G>A (p.Arg334His) results in a non-conservative amino acid change located in the sulfotransferase domain (IPR000863) of the encoded protein sequence. Five of five in-silico tools predict a damaging effect of the variant on protein function. The variant allele was found at a frequency of 1.2e-05 in 250678 control chromosomes (gnomAD). The available data on variant occurrences in the general population are insufficient to allow any conclusion about variant significance. c.1001G>A has been reported in the literature, originally as c.1693G>A, p.Arg334Cys (Gulias-Canizo_2006), and referenced in a subsequent publication as c.1001G>A p.Arg334His (Weiss_2008), in an individual affected with Macular Corneal Dystrophy. However, in the original report this individual was also homozygous for a putatively pathogenic variant. Therefore, this does not provide unequivocal conclusions about association of the variant with Macular Corneal Dystrophy. To our knowledge, no experimental evidence demonstrating an impact on protein function has been reported. The following publications have been ascertained in the context of this evaluation (PMID: 19337156, 16804774). No submitters have cited clinical-significance assessments for this variant to ClinVar after 2014. Based on the evidence outlined above, the variant was classified as uncertain significance.

Literature cited by the submitters: PubMed 16804774; PubMed 19337156.

NM_021615.5(CHST6):c.1001G>A (p.Arg334His)

Gene: CHST6 (carbohydrate sulfotransferase 6; minus strand). Cytogenetic location: 16q23.1.
Variant type: single nucleotide variant.
Coding change: c.1001G>A on transcript NM_021615.5 (MANE Select); coding-DNA position 1001, G replaced by A.
Protein change: p.Arg334His; replaces arginine 334 with histidine.
Molecular consequence: missense variant.
Genome position (GRCh38, 1-based): chr16:75,478,828, C>T on the plus strand (G>A on the coding strand, the complement: CHST6 is on the minus strand). VCF-style: chr16-75478828-C-T. GRCh37 (hg19) VCF-style: chr16-75512726-C-T.
Other names: short protein forms R334H.
Identifiers: ClinVar variation 2581240 (VCV002581240.1), dbSNP rs754412610, ClinGen allele CA8175330.